The following is an entry in ClinVar:

NM_016203.4(PRKAG2):c.689C>T (p.Ala230Val)

Genes: PRKAG2 (protein kinase AMP-activated non-catalytic subunit gamma 2; minus strand), LOC129999660 (ATAC-STARR-seq lymphoblastoid silent region 18823; plus strand). Cytogenetic location: 7q36.1.
Variant type: single nucleotide variant.
Coding change: c.689C>T on transcript NM_016203.4 (MANE Select); coding-DNA position 689, C replaced by T.
Protein change: p.Ala230Val; replaces alanine 230 with valine.
Molecular consequence: missense variant. On other transcripts: 5 prime UTR variant (2).
Genome position (GRCh38, 1-based): chr7:151,632,134, G>A on the plus strand (C>T on the coding strand, the complement: PRKAG2 is on the minus strand). VCF-style: chr7-151632134-G-A. GRCh37 (hg19) VCF-style: chr7-151329220-G-A.
Other names: c.557C>T, p.Ala186Val (NM_001040633.2); c.317C>T, p.Ala106Val (NM_001304527.2, NM_001363698.2); c.-35C>T (NM_001304531.2, NM_024429.2); short protein forms A230V, A186V, A106V.
Identifiers: ClinVar variation 520332 (VCV000520332.12), dbSNP rs1554507908, ClinGen allele CA370071373.

ClinVar aggregate classification (germline): Uncertain significance. Review status: criteria provided, multiple submitters, no conflicts (2 of 4 stars). 3 submissions from 3 submitters: Uncertain significance (3). Last evaluated 2021-09-15.

Conditions:
Lethal congenital glycogen storage disease of heart. Also called: GLYCOGEN STORAGE DISEASE OF HEART; PHOSPHORYLASE KINASE DEFICIENCY OF HEART. Identifiers: Orphanet 439854, MedGen C1849813, MONDO:0009867, OMIM 261740.
Cardiomyopathy (CMYO). Also called: Cardiomyopathies. Identifiers: Orphanet 167848, MedGen C0878544, MONDO:0004994, HP:0001638. Inheritance: Various modes of inheritance.
Cardiovascular phenotype. Identifiers: MedGen CN230736.

Allele frequency attached by ClinVar (database versions not stated): gnomAD exomes below 0.00001.
gnomAD v4.1: 3 of 1,402,836 alleles (0.00021%); highest among the groups gnomAD compares: Non-Finnish European, 0.000094%; no homozygotes.

Submissions (3):

Labcorp Genetics (formerly Invitae), Labcorp
Classification: Uncertain significance for Lethal congenital glycogen storage disease of heart. Last evaluated: 2021-09-15. Review status: criteria provided, single submitter. Criteria: Invitae Variant Classification Sherloc (09022015). Collection method: clinical testing. Allele origin: germline.
Comment: This sequence change replaces alanine with valine at codon 230 of the PRKAG2 protein (p.Ala230Val). The alanine residue is weakly conserved and there is a small physicochemical difference between alanine and valine. This variant is not present in population databases (ExAC no frequency). This variant has not been reported in the literature in individuals affected with PRKAG2-related conditions. ClinVar contains an entry for this variant (Variation ID: 520332). Advanced modeling of protein sequence and biophysical properties (such as structural, functional, and spatial information, amino acid conservation, physicochemical variation, residue mobility, and thermodynamic stability) performed at Invitae indicates that this missense variant is not expected to disrupt PRKAG2 protein function. In summary, the available evidence is currently insufficient to determine the role of this variant in disease. Therefore, it has been classified as a Variant of Uncertain Significance.

CHEO Genetics Diagnostic Laboratory, Children's Hospital of Eastern Ontario
Classification: Uncertain significance for Cardiomyopathy. Last evaluated: 2017-06-12. Review status: criteria provided, single submitter. Criteria: ACMG Guidelines, 2015. Collection method: clinical testing. Allele origin: germline. Study: Canadian Open Genetics Repository.

Ambry Genetics
Classification: Uncertain significance for Cardiovascular phenotype. Last evaluated: 2016-12-29. Review status: criteria provided, single submitter. Criteria: Ambry Variant Classification Scheme 2023. Collection method: clinical testing. Allele origin: germline.
Comment: The p.A230V variant (also known as c.689C>T), located in coding exon 5 of the PRKAG2 gene, results from a C to T substitution at nucleotide position 689. The alanine at codon 230 is replaced by valine, an amino acid with similar properties. This amino acid position is well conserved in available vertebrate species; however, valine is the reference amino acid in other vertebrate species. In addition, this alteration is predicted to be tolerated by in silico analysis. Since supporting evidence is limited at this time, the clinical significance of this alteration remains unclear.